The following is an entry in ClinVar:

NM_001018113.3(FANCB):c.2146A>T (p.Ile716Phe)

Gene: FANCB (FA complementation group B; minus strand). Cytogenetic location: Xp22.2.
Variant type: single nucleotide variant.
Coding change: c.2146A>T on transcript NM_001018113.3 (MANE Select); coding-DNA position 2146, A replaced by T.
Protein change: p.Ile716Phe; replaces isoleucine 716 with phenylalanine.
Molecular consequence: missense variant.
Genome position (GRCh38, 1-based): chrX:14,844,522, T>A on the plus strand (A>T on the coding strand, the complement: FANCB is on the minus strand). VCF-style: chrX-14844522-T-A. GRCh37 (hg19) VCF-style: chrX-14862644-T-A.
Other names: c.2146A>T, p.Ile716Phe (NM_001324162.2, NM_152633.4); short protein forms I716F.
Identifiers: ClinVar variation 1319365 (VCV001319365.10), dbSNP rs373141774, ClinGen allele CA327057813.

ClinVar aggregate classification (germline): Uncertain significance. Review status: criteria provided, multiple submitters, no conflicts (2 of 4 stars). 2 submissions from 2 submitters: Uncertain significance (2). Last evaluated 2026-01-06.

Conditions:
Fanconi anemia (FA). Also called: Fanconi's anemia. Identifiers: Orphanet 84, MedGen C0015625, MeSH D005199, MONDO:0019391.

Allele frequency attached by ClinVar (database versions not stated): gnomAD exomes 0.00001; TOPMed 0.00002; gnomAD 0.00005; ESP Exome Variant Server 0.00009.
gnomAD v4.1: 13 of 1,194,804 alleles (0.0011%); highest among the groups gnomAD compares: Non-Finnish European, 0.0014%; no homozygotes.

Submissions (2):

Labcorp Genetics (formerly Invitae), Labcorp
Classification: Uncertain significance for Fanconi anemia. Last evaluated: 2026-01-06. Review status: criteria provided, single submitter. Criteria: Invitae Variant Classification Sherloc (09022015). Collection method: clinical testing. Allele origin: germline.
Comment: This sequence change replaces isoleucine, which is neutral and non-polar, with phenylalanine, which is neutral and non-polar, at codon 716 of the FANCB protein (p.Ile716Phe). This variant is present in population databases (rs373141774, gnomAD 0.04%). This variant has not been reported in the literature in individuals affected with FANCB-related conditions. ClinVar contains an entry for this variant (Variation ID: 1319365). Invitae Evidence Modeling of protein sequence and biophysical properties (such as structural, functional, and spatial information, amino acid conservation, physicochemical variation, residue mobility, and thermodynamic stability) indicates that this missense variant is expected to disrupt FANCB protein function with a positive predictive value of 80%. In summary, the available evidence is currently insufficient to determine the role of this variant in disease. Therefore, it has been classified as a Variant of Uncertain Significance.

Institute for Clinical Genetics, University Hospital TU Dresden, University Hospital TU Dresden
Classification: Uncertain significance. Last evaluated: 2021-11-03. Review status: criteria provided, single submitter. Criteria: ACMG Guidelines, 2015. Collection method: clinical testing. Allele origin: germline.